The following is an entry in ClinVar:

NM_000540.3(RYR1):c.6544A>T (p.Ile2182Phe)

Gene: RYR1 (ryanodine receptor 1; plus strand). Cytogenetic location: 19q13.2.
Variant type: single nucleotide variant.
Coding change: c.6544A>T on transcript NM_000540.3 (MANE Select); coding-DNA position 6544, A replaced by T.
Protein change: p.Ile2182Phe; replaces isoleucine 2182 with phenylalanine.
Molecular consequence: missense variant.
Genome position (GRCh38, 1-based): chr19:38,494,621, A>T. VCF-style: chr19-38494621-A-T. GRCh37 (hg19) VCF-style: chr19-38985261-A-T.
Other names: c.6544A>T (NM_000540.2); c.6544A>T, p.Ile2182Phe (NM_001042723.2); short protein forms I2182F.
Identifiers: ClinVar variation 133161 (VCV000133161.6), dbSNP rs193922790, ClinGen allele CA024609.
Genomic context (GRCh38, chr19:38,494,621, plus strand): 5'-ATCCGCTCGCTGCTCATCGTGCAGATGGGCCCCCAGGAGGAGAACCTCATGATCCAGAGC[A>T]TCGGGTGAGACACCGCCCTTCCCCCTTACTTTGCATATCCCCTTGGGTAATGAATACCCT-3'
Protein context (NP_000531.2, residues 2172-2192): PQEENLMIQS[Ile2182Phe]GNIMNNKVFY

ClinVar aggregate classification (germline): Uncertain significance. Review status: reviewed by expert panel (3 of 4 stars). 3 submissions from 3 submitters: Uncertain significance (1). 2 of the submissions do not count toward it. Last evaluated 2025-08-01.

Conditions:
Malignant hyperthermia, susceptibility to, 1 (MHS1). Also called: RYR1-Related Malignant Hyperthermia Susceptibility; Malignant hyperthermia suceptibility 1; Anesthesia related hyperthermia; Malignant hyperpyrexia; Fulminating hyperpyrexia; Pharmacogenic myopathy. Identifiers: Orphanet 423, MedGen C2930980, MONDO:0007783, OMIM 145600.

Submissions (3):

ClinGen Malignant Hyperthermia Susceptibility Variant Curation Expert Panel, ClinGen
Classification: Uncertain significance for Malignant hyperthermia, susceptibility to, 1. Last evaluated: 2025-08-01. Review status: reviewed by expert panel. Criteria: ClinGen MHS ACMG Specifications V2. Collection method: curation. Allele origin: germline. Inheritance: Autosomal dominant inheritance.
Comment: This pathogenicity assessment is relevant only for malignant hyperthermia susceptibility (MHS) inherited in an autosomal dominant pattern. Variants in RYR1 can also cause other myopathies inherited in an autosomal dominant pattern or in an autosomal recessive pattern. Some of these disorders may predispose individuals to malignant hyperthermia. RYR1 variants may also contribute to a malignant hyperthermia reaction in combination with other genetic and non-genetic factors and the clinician needs to consider such factors in making management decisions. This sequence variant predicts a substitution of isoleucine with phenylalanine at codon 2182 of the RYR1 protein, p.Ile2182Phe. This variant was not present in a large population database (gnomAD) at the time this variant was interpreted. This variant has been reported in an individual with a personal or family history of an MH episode and a positive in vitro contracture test (IVCT) or caffeine halothane contracture test (CHCT) result (if the proband was unavailable for testing, a positive diagnostic test result in a mutation-positive relative was counted), PS4_Supporting (PMID:12434264). This variant segregates with MHS in three individuals, does not meet PP1 (PMID:12434264). Ex vivo functional studies using cells from a single family were identified for this variant, this does not satisfy PS3 (PMID: 14641996). This variant resides in a region of RYR1 considered to be a hotspot for pathogenic variants that contribute to MHS, PM1 (PMID: 21118704). A REVEL score of 0.76 supports neither a pathogenic nor a benign status for this variant. This variant has been classified as a Variant of Unknown Significance. Criteria implemented: PS4_Supporting, PM1.

Institute of Human Genetics, University of Leipzig Medical Center
Classification: Uncertain significance for Malignant hyperthermia, susceptibility to, 1. Last evaluated: 2025-03-04. Review status: criteria provided, single submitter. Criteria: ACMG Guidelines, 2015. Collection method: clinical testing. Allele origin: unknown. Inheritance: Autosomal dominant inheritance. Affected: yes. Not counted in ClinVar's aggregate classification.
Comment: Criteria applied: PM1,PS4_SUP

RYR1 database
No classification provided. Review status: no classification provided. Collection method: not provided. Allele origin: unknown. Not counted in ClinVar's aggregate classification.